The following is an entry in ClinVar:

ClinVar aggregate classification (germline): Pathogenic. Review status: criteria provided, single submitter (1 of 4 stars). 2 submissions from 2 submitters: Pathogenic (1). 1 of the submissions does not count toward it.

Conditions:
Myoclonus, intractable, neonatal (NEIMY). Identifiers: MedGen C4310658, MONDO:0014979, OMIM 617235.
Hereditary spastic paraplegia 10 (SPG10). Also called: SPASTIC PARAPLEGIA 10, AUTOSOMAL DOMINANT; SPASTIC PARAPLEGIA 10 WITH OR WITHOUT PERIPHERAL NEUROPATHY; SPASTIC PARAPLEGIA 10 WITH PERIPHERAL NEUROPATHY. Identifiers: Orphanet 100991, MedGen C1858712, MONDO:0011408, OMIM 604187.

Submissions (2):

Paris Brain Institute, Inserm - ICM
Classification: Pathogenic for Hereditary spastic paraplegia 10. Review status: criteria provided, single submitter. Criteria: ACMG Guidelines, 2015. Collection method: clinical testing. Allele origin: unknown. Affected: yes. Observed: 1 variant allele.

Solve-RD Consortium
Classification: Likely pathogenic for Myoclonus, intractable, neonatal. Last evaluated: 2022-06-01. Review status: no assertion criteria provided. Collection method: provider interpretation. Allele origin: inherited. Affected: yes. Not counted in ClinVar's aggregate classification.
Comment: Variant confirmed as disease-causing by referring clinical team

Variant identified during reanalysis of unsolved cases by the Solve-RD project. The Solve-RD project has received funding from the European Union’s Horizon 2020 research and innovation programme under grant agreement No 779257.

Literature cited by the submitters: PubMed 39825153 (cited by Solve-RD Consortium).

NM_004984.4(KIF5A):c.604A>G (p.Ser202Gly)

Gene: KIF5A (kinesin family member 5A; plus strand). Cytogenetic location: 12q13.3.
Variant type: single nucleotide variant.
Coding change: c.604A>G on transcript NM_004984.4 (MANE Select); coding-DNA position 604, A replaced by G.
Protein change: p.Ser202Gly; replaces serine 202 with glycine.
Molecular consequence: missense variant.
Genome position (GRCh38, 1-based): chr12:57,567,508, A>G. VCF-style: chr12-57567508-A-G. GRCh37 (hg19) VCF-style: chr12-57961291-A-G.
Other names: c.337A>G, p.Ser113Gly (NM_001354705.2); short protein forms S113G, S202G.
Identifiers: ClinVar variation 989067 (VCV000989067.2), dbSNP rs1057524193, ClinGen allele CA385499022.